The following is an entry in ClinVar:

ClinVar aggregate classification (germline): Pathogenic. Review status: criteria provided, multiple submitters, no conflicts (2 of 4 stars). 2 submissions from 2 submitters: Pathogenic (2). Last evaluated 2023-08-10.

Conditions:
Lynch syndrome 5 (LYNCH5). Also called: Colorectal cancer, hereditary nonpolyposis, type 5; Hereditary non-polyposis colorectal cancer, type 5. Identifiers: Orphanet 144, MedGen C1833477, MONDO:0013710, OMIM 614350. Disease mechanism: loss of function.
Hereditary nonpolyposis colorectal neoplasms. Identifiers: MedGen C0009405, MeSH D003123.

Submissions (2):

Myriad Genetics, Inc.
Classification: Pathogenic for Lynch syndrome 5. Last evaluated: 2023-08-10. Review status: criteria provided, single submitter. Criteria: Myriad Autosomal Dominant, Autosomal Recessive and X-Linked Classification Criteria (2023). Collection method: clinical testing. Allele origin: unknown.
Comment: This variant is considered pathogenic. This variant creates a termination codon and is predicted to result in premature protein truncation.

Labcorp Genetics (formerly Invitae), Labcorp
Classification: Pathogenic for Hereditary nonpolyposis colorectal neoplasms. Last evaluated: 2022-10-23. Review status: criteria provided, single submitter. Criteria: Invitae Variant Classification Sherloc (09022015). Collection method: clinical testing. Allele origin: germline.
Comment: This variant has not been reported in the literature in individuals affected with MSH6-related conditions. For these reasons, this variant has been classified as Pathogenic. This variant is not present in population databases (gnomAD no frequency). This sequence change creates a premature translational stop signal (p.Ser227*) in the MSH6 gene. It is expected to result in an absent or disrupted protein product. Loss-of-function variants in MSH6 are known to be pathogenic (PMID: 18269114, 24362816).

Literature cited by the submitters: PubMed 18269114 (cited by Labcorp Genetics (formerly Invitae), Labcorp); PubMed 24362816 (cited by Labcorp Genetics (formerly Invitae), Labcorp).

NM_000179.3(MSH6):c.679_680del (p.Glu226_Ser227insTer)

Gene: MSH6 (mutS homolog 6; plus strand). Cytogenetic location: 2p16.3.
Variant type: Microsatellite.
Coding change: c.679_680del on transcript NM_000179.3 (MANE Select); coding-DNA positions 679 to 680, 2 bases deleted (AG; older notation c.679_680delAG).
Protein change: p.Glu226_Ser227insTer.
Molecular consequence: nonsense. On other transcripts: 5 prime UTR variant (2), frameshift variant (28).
Genome position (GRCh38, 1-based): chr2:47,798,662-47,798,663, AG deleted; deleting any 2 consecutive bases within chr2:47,798,659-47,798,663 gives the same sequence; the c. name uses the placement nearest the transcript's 3' end. VCF-style (leftmost placement, unchanged base first): chr2-47798658-TGA-T. GRCh37 (hg19) VCF-style: chr2-48025797-TGA-T.
Other names: c.289_290del, p.Glu96_Ser97insTer (NM_001281492.2); c.-230AG[1] (NM_001281493.2, NM_001281494.2); c.773_774AG[1], p.Ser259Terfs (NM_001406795.1, NM_001406802.1); c.677_678AG[1], p.Ser227Terfs (NM_001406796.1, NM_001406798.1, NM_001406800.1 and 4 more transcripts); c.380_381AG[1], p.Ser128Terfs (NM_001406797.1, NM_001406801.1, NM_001406805.1 and 10 more transcripts); c.152_153AG[1], p.Ser52Terfs (NM_001406799.1, NM_001406806.1, NM_001406807.1); c.599_600AG[1], p.Ser201Terfs (NM_001406804.1); c.-230_-229AG[1] (NM_001406811.1, NM_001406812.1, NM_001406814.1 and 4 more transcripts); and 2 more.
Identifiers: ClinVar variation 2036677 (VCV002036677.5), dbSNP rs1460246967, ClinGen allele CA769485360.